The following is an entry in ClinVar:

ClinVar aggregate classification (germline): Uncertain significance (1 of 4 stars; one submission).

Submission:

GeneDx
Classification: Uncertain significance. Last evaluated: 2017-07-07. Review status: criteria provided, single submitter. Criteria: GeneDx Variant Classification (06012015). Collection method: clinical testing. Allele origin: germline. Affected: yes.
Comment: A variant of uncertain significance has been identified in the GABRB3 gene. The R414L variant has not been published as a pathogenic variant, nor has it been reported as a benign variant to our knowledge. The R414L variant is not observed in large population cohorts (Lek et al., 2016; 1000 Genomes Consortium et al., 2015; Exome Variant Server). The R414L variant is a non-conservative amino acid substitution, which is likely to impact secondary protein structure as these residues differ in polarity, charge, size and/or other properties. This substitution occurs at a position that is conserved across species, and in silico analysis predicts this variant is probably damaging to the protein structure/function. Therefore, based on the currently available information, it is unclear whether this variant is a pathogenic variant or a rare benign variant.

NM_000814.6(GABRB3):c.1241G>T (p.Arg414Leu)

Gene: GABRB3 (gamma-aminobutyric acid type A receptor subunit beta3; minus strand). Cytogenetic location: 15q12.
Variant type: single nucleotide variant.
Coding change: c.1241G>T on transcript NM_000814.6 (MANE Select); coding-DNA position 1241, G replaced by T.
Protein change: p.Arg414Leu; replaces arginine 414 with leucine.
Molecular consequence: missense variant.
Genome position (GRCh38, 1-based): chr15:26,547,974, C>A on the plus strand (G>T on the coding strand, the complement: GABRB3 is on the minus strand). VCF-style: chr15-26547974-C-A. GRCh37 (hg19) VCF-style: chr15-26793121-C-A.
Other names: c.986G>T, p.Arg329Leu (NM_001191320.2, NM_001278631.2); c.1028G>T, p.Arg343Leu (NM_001191321.3); c.1241G>T, p.Arg414Leu (NM_021912.5); short protein forms R414L, R343L, R329L.
Identifiers: ClinVar variation 450346 (VCV000450346.2), dbSNP rs373229638, ClinGen allele CA391458837.